The following is an entry in ClinVar:

ClinVar aggregate classification (germline): Uncertain significance (1 of 4 stars; one submission).

Submission:

GeneDx
Classification: Uncertain significance. Last evaluated: 2022-12-15. Review status: criteria provided, single submitter. Criteria: GeneDx Variant Classification Process June 2021. Collection method: clinical testing. Allele origin: germline. Affected: yes.
Comment: Not observed at significant frequency in large population cohorts (gnomAD); In silico analysis is inconclusive as to whether the variant alters gene splicing. In the absence of RNA/functional studies, the actual effect of this sequence change is unknown.; Has not been previously published as pathogenic or benign to our knowledge

NM_005445.4(SMC3):c.3583-16_3583-13dup

Gene: SMC3 (structural maintenance of chromosomes 3; plus strand). Cytogenetic location: 10q25.2.
Variant type: Duplication.
Coding change: c.3583-16_3583-13dup on transcript NM_005445.4 (MANE Select); 16 bases into the intron before coding-DNA position 3583 through 13 bases into the intron before coding-DNA position 3583, 4 bases duplicated (AACA; older notation c.3583-16_3583-13dupAACA).
Molecular consequence: intron variant.
Genome position (GRCh38, 1-based): chr10:110,604,215-110,604,218, AACA duplicated. VCF-style (leftmost placement, unchanged base first): chr10-110604214-T-TAACA. GRCh37 (hg19) VCF-style: chr10-112363972-T-TAACA.
Identifiers: ClinVar variation 2505770 (VCV002505770.1), dbSNP rs2493152395, ClinGen allele CA2580616871.